The following is an entry in ClinVar:

ClinVar aggregate classification (germline): Uncertain significance. Review status: criteria provided, multiple submitters, no conflicts (2 of 4 stars). 2 submissions from 2 submitters: Uncertain significance (2). Last evaluated 2025-11-26.

Conditions:
Charcot-Marie-Tooth disease axonal type 2C (HMSN2C). Also called: CHARCOT-MARIE-TOOTH DISEASE, AXONAL, AUTOSOMAL DOMINANT, TYPE 2C; Charcot-Marie-Tooth Neuropathy Type 2C; Charcot-Marie-Tooth Disease Type 2, TRPV4-Related (CMT2C). Identifiers: Orphanet 99937, MedGen C1853710, MONDO:0011633, OMIM 606071.
Inborn genetic diseases. Identifiers: MedGen C0950123, MeSH D030342.

Submissions (2):

Ambry Genetics
Classification: Uncertain significance for Inborn genetic diseases. Last evaluated: 2025-11-26. Review status: criteria provided, single submitter. Criteria: Ambry Variant Classification Scheme 2023. Collection method: clinical testing. Allele origin: germline.

Labcorp Genetics (formerly Invitae), Labcorp
Classification: Uncertain significance for Charcot-Marie-Tooth disease axonal type 2C. Last evaluated: 2024-07-23. Review status: criteria provided, single submitter. Criteria: Invitae Variant Classification Sherloc (09022015). Collection method: clinical testing. Allele origin: germline.
Comment: This sequence change replaces glutamic acid, which is acidic and polar, with glycine, which is neutral and non-polar, at codon 430 of the TRPV4 protein (p.Glu430Gly). This variant is not present in population databases (gnomAD no frequency). This variant has not been reported in the literature in individuals affected with TRPV4-related conditions. Advanced modeling of protein sequence and biophysical properties (such as structural, functional, and spatial information, amino acid conservation, physicochemical variation, residue mobility, and thermodynamic stability) performed at Invitae indicates that this missense variant is not expected to disrupt TRPV4 protein function with a negative predictive value of 95%. In summary, the available evidence is currently insufficient to determine the role of this variant in disease. Therefore, it has been classified as a Variant of Uncertain Significance.

NM_021625.5(TRPV4):c.1289A>G (p.Glu430Gly)

Gene: TRPV4 (transient receptor potential cation channel subfamily V member 4; minus strand). Cytogenetic location: 12q24.11.
Variant type: single nucleotide variant.
Coding change: c.1289A>G on transcript NM_021625.5 (MANE Select); coding-DNA position 1289, A replaced by G.
Protein change: p.Glu430Gly; replaces glutamic acid 430 with glycine.
Molecular consequence: missense variant. On other transcripts: intron variant (2).
Genome position (GRCh38, 1-based): chr12:109,796,568, T>C on the plus strand (A>G on the coding strand, the complement: TRPV4 is on the minus strand). VCF-style: chr12-109796568-T-C. GRCh37 (hg19) VCF-style: chr12-110234373-T-C.
Other names: c.1148A>G, p.Glu383Gly (NM_001177428.2); c.1187A>G, p.Glu396Gly (NM_001177431.2); c.1011+2046A>G (NM_001177433.1); c.1152+2046A>G (NM_147204.2); short protein forms E430G, E396G, E383G.
Identifiers: ClinVar variation 3637650 (VCV003637650.3).